The following is an entry in ClinVar:

ClinVar aggregate classification (germline): Conflicting classifications of pathogenicity. Review status: criteria provided, conflicting classifications (1 of 4 stars). 3 submissions from 2 submitters: Uncertain significance (1); Benign (1); Likely benign (1). Last evaluated 2024-03-25.

Conditions:
Congenital afibrinogenemia. Identifiers: Orphanet 335, Orphanet 98880, MedGen C2584774, MONDO:0008737, OMIM 202400.
Familial visceral amyloidosis, Ostertag type (AMYLD2). Also called: AMYLOIDOSIS VIII; Ostertag type amyloidosis; Familial visceral amyloidosis; Amyloidosis, hepatic and systemic; AMYLOIDOSIS, HEREDITARY SYSTEMIC 2; Hereditary Renal Amyloidosis. Identifiers: Orphanet 85450, MedGen C0268389, MONDO:0007099, OMIM 105200.

Allele frequency attached by ClinVar (database versions not stated): gnomAD exomes 0.00002; ESP Exome Variant Server 0.00008; TOPMed 0.00011.

Submissions (3):

Women's Health and Genetics/Laboratory Corporation of America, LabCorp
Classification: Likely benign. Last evaluated: 2024-03-25. Review status: criteria provided, single submitter. Criteria: LabCorp Variant Classification Summary - May 2015. Collection method: clinical testing. Allele origin: germline.

Illumina Laboratory Services, Illumina
Classification: Benign for Familial visceral amyloidosis, Ostertag type. Last evaluated: 2018-01-13. Review status: criteria provided, single submitter. Criteria: ICSL Variant Classification Criteria 13 December 2019. Collection method: clinical testing. Allele origin: germline.
Comment: This variant was observed in the ICSL laboratory as part of a predisposition screen in an ostensibly healthy population. It had not been previously curated by ICSL or reported in the Human Gene Mutation Database (HGMD: prior to June 1st, 2018), and was therefore a candidate for classification through an automated scoring system. Utilizing variant allele frequency, disease prevalence and penetrance estimates, and inheritance mode, an automated score was calculated to assess if this variant is too frequent to cause the disease. Based on the score and internal cut-off values, a variant classified as benign is not then subjected to further curation. The score for this variant resulted in a classification of benign for this disease.

Illumina Laboratory Services, Illumina
Classification: Uncertain significance for Congenital afibrinogenemia. Last evaluated: 2018-01-13. Review status: criteria provided, single submitter. Criteria: ICSL Variant Classification Criteria 13 December 2019. Collection method: clinical testing. Allele origin: germline.

NM_021871.4(FGA):c.450G>A (p.Gln150=)

Gene: FGA (fibrinogen alpha chain; minus strand). Cytogenetic location: 4q31.3.
Variant type: single nucleotide variant.
Coding change: c.450G>A on transcript NM_021871.4 (MANE Select); coding-DNA position 450, G replaced by A.
Protein change: p.Gln150=; no amino-acid change (glutamine 150 retained).
Molecular consequence: synonymous variant.
Genome position (GRCh38, 1-based): chr4:154,587,572, C>T on the plus strand (G>A on the coding strand, the complement: FGA is on the minus strand). VCF-style: chr4-154587572-C-T. GRCh37 (hg19) VCF-style: chr4-155508724-C-T.
Other names: c.450G>A (LRG_557t2); c.450G>A, p.Gln150= (NM_000508.5).
Identifiers: ClinVar variation 347820 (VCV000347820.7), dbSNP rs368446857, ClinGen allele CA3115296.